The following is an entry in ClinVar:

ClinVar aggregate classification (germline): Uncertain significance. Review status: criteria provided, multiple submitters, no conflicts (2 of 4 stars). 2 submissions from 2 submitters: Uncertain significance (2). Last evaluated 2022-03-20.

Conditions:
DICER1-related tumor predisposition. Also called: DICER1 syndrome; DICER1-related pleuropulmonary blastoma cancer predisposition syndrome. Identifiers: Orphanet 284343, MedGen C3839822, MONDO:0100216.
Hereditary cancer-predisposing syndrome. Also called: Neoplastic Syndromes, Hereditary; Tumor predisposition; Hereditary Cancer Syndrome; Hereditary neoplastic syndrome. Identifiers: Orphanet 140162, MedGen C0027672, MeSH D009386, MONDO:0015356.

Allele frequency attached by ClinVar (database versions not stated): gnomAD exomes below 0.00001.
gnomAD v4.1: 5 of 1,614,214 alleles (0.00031%); highest among the groups gnomAD compares: Non-Finnish European, 0.00042%; no homozygotes.

Submissions (2):

Labcorp Genetics (formerly Invitae), Labcorp
Classification: Uncertain significance for DICER1-related tumor predisposition. Last evaluated: 2022-03-20. Review status: criteria provided, single submitter. Criteria: Invitae Variant Classification Sherloc (09022015). Collection method: clinical testing. Allele origin: germline.
Comment: In summary, the available evidence is currently insufficient to determine the role of this variant in disease. Therefore, it has been classified as a Variant of Uncertain Significance. Algorithms developed to predict the effect of missense changes on protein structure and function (SIFT, PolyPhen-2, Align-GVGD) all suggest that this variant is likely to be tolerated. This variant has not been reported in the literature in individuals affected with DICER1-related conditions. This variant is not present in population databases (gnomAD no frequency). This sequence change replaces asparagine, which is neutral and polar, with isoleucine, which is neutral and non-polar, at codon 1660 of the DICER1 protein (p.Asn1660Ile).

Ambry Genetics
Classification: Uncertain significance for Hereditary cancer-predisposing syndrome. Last evaluated: 2020-03-06. Review status: criteria provided, single submitter. Criteria: Ambry Variant Classification Scheme 2023. Collection method: clinical testing. Allele origin: germline.
Comment: The p.N1660I variant (also known as c.4979A>T), located in coding exon 22 of the DICER1 gene, results from an A to T substitution at nucleotide position 4979. The asparagine at codon 1660 is replaced by isoleucine, an amino acid with dissimilar properties. This amino acid position is not well conserved in available vertebrate species. In addition, this alteration is predicted to be tolerated by in silico analysis. Since supporting evidence is limited at this time, the clinical significance of this alteration remains unclear.

NM_177438.3(DICER1):c.4979A>T (p.Asn1660Ile)

Gene: DICER1 (dicer 1, ribonuclease III; minus strand). Cytogenetic location: 14q32.13.
Variant type: single nucleotide variant.
Coding change: c.4979A>T on transcript NM_177438.3 (MANE Select); coding-DNA position 4979, A replaced by T.
Protein change: p.Asn1660Ile; replaces asparagine 1660 with isoleucine.
Molecular consequence: missense variant. On other transcripts: non-coding transcript variant (6).
Genome position (GRCh38, 1-based): chr14:95,095,941, T>A on the plus strand (A>T on the coding strand, the complement: DICER1 is on the minus strand). VCF-style: chr14-95095941-T-A. GRCh37 (hg19) VCF-style: chr14-95562278-T-A.
Other names: c.4979A>T, p.Asn1660Ile (NM_001195573.1, NM_001271282.3, NM_001291628.2 and 13 more transcripts); c.4697A>T, p.Asn1566Ile (NM_001395686.1); c.4574A>T, p.Asn1525Ile (NM_001395687.1, NM_001395688.1, NM_001395689.1 and 2 more transcripts); c.4412A>T, p.Asn1471Ile (NM_001395691.1); c.3296A>T, p.Asn1099Ile (NM_001395697.1); short protein forms N1525I, N1099I, N1471I, N1660I, N1566I.
Identifiers: ClinVar variation 1744504 (VCV001744504.5), dbSNP rs2542478718, ClinGen allele CA390866181.